The following is an entry in ClinVar:

ClinVar aggregate classification (germline): Uncertain significance (1 of 4 stars; one submission).

Conditions:
Cardiovascular phenotype. Identifiers: MedGen CN230736.

Submission:

Ambry Genetics
Classification: Uncertain significance for Cardiovascular phenotype. Last evaluated: 2025-08-03. Review status: criteria provided, single submitter. Criteria: Ambry Variant Classification Scheme 2023. Collection method: clinical testing. Allele origin: germline.
Comment: The p.I297F variant (also known as c.889A>T), located in coding exon 5 of the EPHB4 gene, results from an A to T substitution at nucleotide position 889. The isoleucine at codon 297 is replaced by phenylalanine, an amino acid with highly similar properties. This amino acid position is conserved. In addition, this alteration is predicted to be tolerated by in silico analysis. Based on the available evidence, the clinical significance of this variant remains unclear.

NM_004444.5(EPHB4):c.889A>T (p.Ile297Phe)

Gene: EPHB4 (EPH receptor B4; minus strand). Cytogenetic location: 7q22.1.
Variant type: single nucleotide variant.
Coding change: c.889A>T on transcript NM_004444.5 (MANE Select); coding-DNA position 889, A replaced by T.
Protein change: p.Ile297Phe; replaces isoleucine 297 with phenylalanine.
Molecular consequence: missense variant.
Genome position (GRCh38, 1-based): chr7:100,820,216, T>A on the plus strand (A>T on the coding strand, the complement: EPHB4 is on the minus strand). VCF-style: chr7-100820216-T-A. GRCh37 (hg19) VCF-style: chr7-100417838-T-A.
Other names: short protein forms I297F.
Identifiers: ClinVar variation 4249966 (VCV004249966.1).
Genomic context (GRCh38, chr7:100,820,216, plus strand): 5'-CCCGGGGGTCTGTGCGTGCCCGGAAGTACCCGACGCGGCACTGGCAGACGGCTGATCCAA[T>A]GGTGTTAGAGTGGCTATTGGCTGGGCATGGCTGGCAGGACCCTTCTCCTGACAGGGGCTT-3'
Protein context (NP_004435.3, residues 287-307): PCPANSHSNT[Ile297Phe]GSAVCQCRVG